The following is an entry in ClinVar:

ClinVar aggregate classification (germline): Uncertain significance (1 of 4 stars; one submission).

Conditions:
Inosine triphosphatase deficiency. Also called: INOSINE TRIPHOSPHATE PYROPHOSPHOHYDROLASE DEFICIENCY. Identifiers: MedGen C0342800, MONDO:0013461, OMIM 613850.

Submission:

Labcorp Genetics (formerly Invitae), Labcorp
Classification: Uncertain significance for Inosine triphosphatase deficiency. Last evaluated: 2021-04-24. Review status: criteria provided, single submitter. Criteria: Invitae Variant Classification Sherloc (09022015). Collection method: clinical testing. Allele origin: germline.
Comment: In summary, the available evidence is currently insufficient to determine the role of this variant in disease. Therefore, it has been classified as a Variant of Uncertain Significance. Algorithms developed to predict the effect of missense changes on protein structure and function are either unavailable or do not agree on the potential impact of this missense change (SIFT: "Deleterious"; PolyPhen-2: "Possibly Damaging"; Align-GVGD: "Class C0"). This variant has not been reported in the literature in individuals with ITPA-related conditions. This variant is not present in population databases (ExAC no frequency). This sequence change replaces glutamic acid with glycine at codon 108 of the ITPA protein (p.Glu108Gly). The glutamic acid residue is highly conserved and there is a moderate physicochemical difference between glutamic acid and glycine.

NM_033453.4(ITPA):c.323A>G (p.Glu108Gly)

Gene: ITPA (inosine triphosphatase; plus strand). Cytogenetic location: 20p13.
Variant type: single nucleotide variant.
Coding change: c.323A>G on transcript NM_033453.4 (MANE Select); coding-DNA position 323, A replaced by G.
Protein change: p.Glu108Gly; replaces glutamic acid 108 with glycine.
Molecular consequence: missense variant. On other transcripts: 5 prime UTR variant (4), non-coding transcript variant (2).
Genome position (GRCh38, 1-based): chr20:3,218,544, A>G. VCF-style: chr20-3218544-A-G. GRCh37 (hg19) VCF-style: chr20-3199190-A-G.
Other names: c.200A>G, p.Glu67Gly (NM_001267623.2); c.-15A>G (NM_001324236.2, NM_001324237.2, NM_001324238.2 and 1 more transcripts); c.323A>G, p.Glu108Gly (NM_001324240.2); c.272A>G, p.Glu91Gly (NM_181493.4); short protein forms E91G, E108G, E67G.
Identifiers: ClinVar variation 1390590 (VCV001390590.8), dbSNP rs2122394064, ClinGen allele CA408079840.